The following is an entry in ClinVar:

ClinVar aggregate classification (germline): Uncertain significance. Review status: criteria provided, multiple submitters, no conflicts (2 of 4 stars). 2 submissions from 2 submitters: Uncertain significance (2). Last evaluated 2021-02-22.

Conditions:
Intellectual developmental disorder, autosomal dominant 6, with or without seizures. Also called: Intellectual disability, autosomal dominant 6; GRIN2B-related developmental delay, intellectual disability and autism spectrum disorder. Identifiers: Orphanet 589547, MedGen C3151411, MONDO:0013509, OMIM 613970.
Developmental and epileptic encephalopathy, 27 (DEE27). Also called: GRIN2B-Related Neurodevelopmental Disorder; Epileptic encephalopathy, early infantile, 27. Identifiers: Orphanet 3451, MedGen C4015316, MONDO:0014505, OMIM 616139.

Allele frequency attached by ClinVar (database versions not stated): gnomAD 0.00001; TOPMed below 0.00001.
gnomAD v4.1: 1 of 1,613,206 alleles (0.000062%); highest among the groups gnomAD compares: African/African-American, 0.0013%; no homozygotes.

Submissions (2):

Labcorp Genetics (formerly Invitae), Labcorp
Classification: Uncertain significance for Developmental and epileptic encephalopathy, 27; Intellectual developmental disorder, autosomal dominant 6, with or without seizures. Last evaluated: 2021-02-22. Review status: criteria provided, single submitter. Criteria: Invitae Variant Classification Sherloc (09022015). Collection method: clinical testing. Allele origin: germline.
Comment: In summary, the available evidence is currently insufficient to determine the role of this variant in disease. Therefore, it has been classified as a Variant of Uncertain Significance. Advanced modeling of protein sequence and biophysical properties (such as structural, functional, and spatial information, amino acid conservation, physicochemical variation, residue mobility, and thermodynamic stability) performed at Invitae indicates that this missense variant is expected to disrupt GRIN2B protein function. This variant has not been reported in the literature in individuals with GRIN2B-related conditions. This variant is not present in population databases (ExAC no frequency). This sequence change replaces serine with leucine at codon 520 of the GRIN2B protein (p.Ser520Leu). The serine residue is highly conserved and there is a large physicochemical difference between serine and leucine.

GeneDx
Classification: Uncertain significance. Last evaluated: 2019-04-23. Review status: criteria provided, single submitter. Criteria: GeneDx Variant Classification Process June 2021. Collection method: clinical testing. Allele origin: germline. Affected: yes.
Comment: Not observed in large population cohorts (Lek et al., 2016); In silico analysis, which includes protein predictors and evolutionary conservation, supports a deleterious effect; Has not been previously published as pathogenic or benign to our knowledge; This variant is associated with the following publications: (PMID: 33391346)

NM_000834.5(GRIN2B):c.1559C>T (p.Ser520Leu)

Gene: GRIN2B (glutamate ionotropic receptor NMDA type subunit 2B; minus strand). Cytogenetic location: 12p13.1.
Variant type: single nucleotide variant.
Coding change: c.1559C>T on transcript NM_000834.5 (MANE Select); coding-DNA position 1559, C replaced by T.
Protein change: p.Ser520Leu; replaces serine 520 with leucine.
Molecular consequence: missense variant.
Genome position (GRCh38, 1-based): chr12:13,615,209, G>A on the plus strand (C>T on the coding strand, the complement: GRIN2B is on the minus strand). VCF-style: chr12-13615209-G-A. GRCh37 (hg19) VCF-style: chr12-13768143-G-A.
Other names: short protein forms S520L.
Identifiers: ClinVar variation 1303630 (VCV001303630.9), dbSNP rs1211941493, ClinGen allele CA384051877.